The following is an entry in ClinVar:

ClinVar aggregate classification (germline): Uncertain significance. Review status: criteria provided, multiple submitters, no conflicts (2 of 4 stars). 2 submissions from 2 submitters: Uncertain significance (2). Last evaluated 2024-08-29.

Submissions (2):

Blueprint Genetics
Classification: Uncertain significance. Last evaluated: 2024-08-29. Review status: criteria provided, single submitter. Criteria: ACMG Guidelines, 2015. Collection method: clinical testing. Allele origin: germline.

GeneDx
Classification: Uncertain significance. Last evaluated: 2019-08-27. Review status: criteria provided, single submitter. Criteria: GeneDx Variant Classification Process June 2021. Collection method: clinical testing. Allele origin: germline. Affected: yes.
Comment: Not observed in large population cohorts (Lek et al., 2016); In silico analysis, which includes protein predictors and evolutionary conservation, supports a deleterious effect; Has not been previously published as pathogenic or benign to our knowledge

NM_015100.4(POGZ):c.1735A>G (p.Met579Val)

Gene: POGZ (pogo transposable element derived with ZNF domain; minus strand). Cytogenetic location: 1q21.3.
Variant type: single nucleotide variant.
Coding change: c.1735A>G on transcript NM_015100.4 (MANE Select); coding-DNA position 1735, A replaced by G.
Protein change: p.Met579Val; replaces methionine 579 with valine.
Molecular consequence: missense variant.
Genome position (GRCh38, 1-based): chr1:151,412,340, T>C on the plus strand (A>G on the coding strand, the complement: POGZ is on the minus strand). VCF-style: chr1-151412340-T-C. GRCh37 (hg19) VCF-style: chr1-151384816-T-C.
Other names: c.1708A>G, p.Met570Val (NM_001194937.2); c.1549A>G, p.Met517Val (NM_001194938.2); c.1450A>G, p.Met484Val (NM_145796.4); c.1576A>G, p.Met526Val (NM_207171.2); short protein forms M484V, M517V, M526V, M570V, M579V.
Identifiers: ClinVar variation 1308091 (VCV001308091.3), dbSNP rs2102193402, ClinGen allele CA341964929.